The following is an entry in ClinVar:

NM_004304.5(ALK):c.1397A>G (p.Asp466Gly)

Gene: ALK (ALK receptor tyrosine kinase; minus strand). Cytogenetic location: 2p23.2.
Variant type: single nucleotide variant.
Coding change: c.1397A>G on transcript NM_004304.5 (MANE Select); coding-DNA position 1397, A replaced by G.
Protein change: p.Asp466Gly; replaces aspartic acid 466 with glycine.
Molecular consequence: missense variant.
Genome position (GRCh38, 1-based): chr2:29,328,367, T>C on the plus strand (A>G on the coding strand, the complement: ALK is on the minus strand). VCF-style: chr2-29328367-T-C. GRCh37 (hg19) VCF-style: chr2-29551233-T-C.
Other names: short protein forms D466G.
Identifiers: ClinVar variation 3729038 (VCV003729038.2).
Genomic context (GRCh38, chr2:29,328,367, plus strand): 5'-ATGGGCTGGGCTCAGGCAGGGTGGGGCAGCCCCATCTACTCACGGCACATCTGGCTCTCA[T>C]CTTCTCCCTGGGCACAGTCCTGGTGGAAGTCACAGGCCTGCCCAAGCTGGAGGACTGTCC-3'
Protein context (NP_004295.2, residues 456-476): DFHQDCAQGE[Asp466Gly]ESQMCRKLPV

ClinVar aggregate classification (germline): Uncertain significance (1 of 4 stars; one submission).

Conditions:
Neuroblastoma, susceptibility to, 3. Also called: ALK-Related Neuroblastic Tumor Susceptibility. Identifiers: Orphanet 635, MedGen C2751681, MONDO:0013083, OMIM 613014.

Submission:

Labcorp Genetics (formerly Invitae), Labcorp
Classification: Uncertain significance for Neuroblastoma, susceptibility to, 3. Last evaluated: 2025-01-15. Review status: criteria provided, single submitter. Criteria: Invitae Variant Classification Sherloc (09022015). Collection method: clinical testing. Allele origin: germline.
Comment: This sequence change replaces aspartic acid, which is acidic and polar, with glycine, which is neutral and non-polar, at codon 466 of the ALK protein (p.Asp466Gly). This variant is not present in population databases (gnomAD no frequency). This variant has not been reported in the literature in individuals affected with ALK-related conditions. An algorithm developed to predict the effect of missense changes on protein structure and function (PolyPhen-2) suggests that this variant is likely to be disruptive. Algorithms developed to predict the effect of sequence changes on RNA splicing suggest that this variant may disrupt the consensus splice site. In summary, the available evidence is currently insufficient to determine the role of this variant in disease. Therefore, it has been classified as a Variant of Uncertain Significance.